The following is an entry in ClinVar:

NM_014974.3(DIP2C):c.1272C>A (p.Ser424Arg)

Gene: DIP2C (disco interacting protein 2 homolog C; minus strand). Cytogenetic location: 10p15.3.
Variant type: single nucleotide variant.
Coding change: c.1272C>A on transcript NM_014974.3 (MANE Select); coding-DNA position 1272, C replaced by A.
Protein change: p.Ser424Arg; replaces serine 424 with arginine.
Molecular consequence: missense variant.
Genome position (GRCh38, 1-based): chr10:390,852, G>T on the plus strand (C>A on the coding strand, the complement: DIP2C is on the minus strand). VCF-style: chr10-390852-G-T. GRCh37 (hg19) VCF-style: chr10-436792-G-T.
Other names: short protein forms S424R.
Identifiers: ClinVar variation 3773889 (VCV003773889.2).

ClinVar aggregate classification (germline): Uncertain significance. Review status: criteria provided, multiple submitters, no conflicts (2 of 4 stars). 2 submissions from 2 submitters: Uncertain significance (2). Last evaluated 2025-06-19.

Conditions:
Inborn genetic diseases. Identifiers: MedGen C0950123, MeSH D030342.

Submissions (2):

Ambry Genetics
Classification: Uncertain significance for Inborn genetic diseases. Last evaluated: 2025-06-19. Review status: criteria provided, single submitter. Criteria: Ambry Variant Classification Scheme 2023. Collection method: clinical testing. Allele origin: germline.

GeneDx
Classification: Uncertain significance. Last evaluated: 2024-09-24. Review status: criteria provided, single submitter. Criteria: GeneDx Variant Classification Process June 2021. Collection method: clinical testing. Allele origin: germline. Affected: yes.
Comment: Not observed at significant frequency in large population cohorts (gnomAD); In silico analysis supports that this missense variant has a deleterious effect on protein structure/function; Has not been previously published as pathogenic or benign to our knowledge